The following is an entry in ClinVar:

ClinVar aggregate classification (germline): Uncertain significance. Review status: criteria provided, multiple submitters, no conflicts (2 of 4 stars). 3 submissions from 3 submitters: Uncertain significance (3). Last evaluated 2023-01-02.

Conditions:
Dyskeratosis congenita, autosomal dominant 2. Identifiers: MedGen C3151443, MONDO:0013521, OMIM 613989.
Idiopathic Pulmonary Fibrosis. Also called: Idiopathic fibrosing alveolitis, chronic form; idiopathic fibrosing alveolitis. Identifiers: Orphanet 2032, MedGen C1800706, MeSH D054990, MONDO:0800504.
Dyskeratosis congenita. Identifiers: Orphanet 1775, MedGen C0265965, MONDO:0015780.

Allele frequency attached by ClinVar (database versions not stated): TOPMed below 0.00001; gnomAD 0.00001.

Submissions (3):

GeneDx
Classification: Uncertain significance. Last evaluated: 2023-01-02. Review status: criteria provided, single submitter. Criteria: GeneDx Variant Classification Process June 2021. Collection method: clinical testing. Allele origin: germline. Affected: yes.
Comment: Not observed at significant frequency in large population cohorts (gnomAD); In silico analysis supports that this missense variant does not alter protein structure/function; Has not been previously published as pathogenic or benign to our knowledge

Ambry Genetics
Classification: Uncertain significance for Dyskeratosis congenita. Last evaluated: 2022-06-08. Review status: criteria provided, single submitter. Criteria: Ambry Variant Classification Scheme 2023. Collection method: clinical testing. Allele origin: germline.
Comment: The p.A1058S variant (also known as c.3172G>T), located in coding exon 15 of the TERT gene, results from a G to T substitution at nucleotide position 3172. The alanine at codon 1058 is replaced by serine, an amino acid with similar properties. This amino acid position is conserved. In addition, this alteration is predicted to be tolerated by in silico analysis. Since supporting evidence is limited at this time, the clinical significance of this alteration remains unclear.

Labcorp Genetics (formerly Invitae), Labcorp
Classification: Uncertain significance for Dyskeratosis congenita, autosomal dominant 2; Idiopathic Pulmonary Fibrosis. Last evaluated: 2021-08-27. Review status: criteria provided, single submitter. Criteria: Invitae Variant Classification Sherloc (09022015). Collection method: clinical testing. Allele origin: germline.
Comment: This sequence change replaces alanine with serine at codon 1058 of the TERT protein (p.Ala1058Ser). The alanine residue is moderately conserved and there is a moderate physicochemical difference between alanine and serine. This variant is not present in population databases (ExAC no frequency). This variant has not been reported in the literature in individuals affected with TERT-related conditions. Algorithms developed to predict the effect of missense changes on protein structure and function (SIFT, PolyPhen-2, Align-GVGD) all suggest that this variant is likely to be tolerated. In summary, the available evidence is currently insufficient to determine the role of this variant in disease. Therefore, it has been classified as a Variant of Uncertain Significance.

NM_198253.3(TERT):c.3172G>T (p.Ala1058Ser)

Gene: TERT (telomerase reverse transcriptase; minus strand). Cytogenetic location: 5p15.33.
Variant type: single nucleotide variant.
Coding change: c.3172G>T on transcript NM_198253.3 (MANE Select); coding-DNA position 3172, G replaced by T.
Protein change: p.Ala1058Ser; replaces alanine 1058 with serine.
Molecular consequence: missense variant. On other transcripts: non-coding transcript variant (2).
Genome position (GRCh38, 1-based): chr5:1,254,491, C>A on the plus strand (G>T on the coding strand, the complement: TERT is on the minus strand). VCF-style: chr5-1254491-C-A. GRCh37 (hg19) VCF-style: chr5-1254606-C-A.
Other names: c.2983G>T, p.Ala995Ser (NM_001193376.3); short protein forms A1058S, A995S.
Identifiers: ClinVar variation 647751 (VCV000647751.11), dbSNP rs1478959357, ClinGen allele CA359067551.